The following is an entry in ClinVar:

NM_001288705.3(CSF1R):c.*231C>G

Gene: CSF1R (colony stimulating factor 1 receptor; minus strand). Cytogenetic location: 5q32.
Variant type: single nucleotide variant.
Coding change: c.*231C>G on transcript NM_001288705.3 (MANE Select); 231 bases downstream of the stop codon, C replaced by G.
Molecular consequence: 3 prime UTR variant. On other transcripts: non-coding transcript variant (2).
Genome position (GRCh38, 1-based): chr5:150,053,838, G>C on the plus strand (C>G on the coding strand, the complement: CSF1R is on the minus strand). VCF-style: chr5-150053838-G-C. GRCh37 (hg19) VCF-style: chr5-149433401-G-C.
Other names: c.*231C>G (NM_001349736.2, NM_001375320.1, NM_001375321.1 and 1 more transcripts).
Identifiers: ClinVar variation 352115 (VCV000352115.5), dbSNP rs78449650, ClinGen allele CA10623693.
Genomic context (GRCh38, chr5:150,053,838, plus strand): 5'-AAGGTTCTACTAGTTGGCATAGCAAACACGAGGCCAACACCATGAGAACAGTAGGGGAGG[G>C]GGGGGTGAGGGCTCAGCCCCCAGCCCCTGACTGGCAGTGATGGCCCATGCTCAGGAAGTG-3'

ClinVar aggregate classification (germline): Benign (1 of 4 stars; one submission).

Conditions:
Hereditary diffuse leukoencephalopathy with spheroids. Also called: LEUKOENCEPHALOPATHY, ADULT-ONSET, WITH AXONAL SPHEROIDS AND PIGMENTED GLIA. Identifiers: Orphanet 313808, MedGen C3711381, MONDO:0030796.

Allele frequency attached by ClinVar (database versions not stated): 1000 Genomes Project 0.00040.
gnomAD v4.1: 59 of 457,458 alleles (0.013%); highest among the groups gnomAD compares: East Asian, 0.059%; no homozygotes.

Submission:

Illumina Laboratory Services, Illumina
Classification: Benign for Leukoencephalopathy, diffuse hereditary, with spheroids 1. Last evaluated: 2018-01-13. Review status: criteria provided, single submitter. Criteria: ICSL Variant Classification Criteria 13 December 2019. Collection method: clinical testing. Allele origin: germline.
Comment: This variant was observed in the ICSL laboratory as part of a predisposition screen in an ostensibly healthy population. It had not been previously curated by ICSL or reported in the Human Gene Mutation Database (HGMD: prior to June 1st, 2018), and was therefore a candidate for classification through an automated scoring system. Utilizing variant allele frequency, disease prevalence and penetrance estimates, and inheritance mode, an automated score was calculated to assess if this variant is too frequent to cause the disease. Based on the score and internal cut-off values, a variant classified as benign is not then subjected to further curation. The score for this variant resulted in a classification of benign for this disease.